The following is an entry in ClinVar:

NM_199420.4(POLQ):c.1097A>G (p.His366Arg)

Gene: POLQ (DNA polymerase theta; minus strand). Cytogenetic location: 3q13.33.
Variant type: single nucleotide variant.
Coding change: c.1097A>G on transcript NM_199420.4 (MANE Select); coding-DNA position 1097, A replaced by G.
Protein change: p.His366Arg; replaces histidine 366 with arginine.
Molecular consequence: missense variant.
Genome position (GRCh38, 1-based): chr3:121,529,656, T>C on the plus strand (A>G on the coding strand, the complement: POLQ is on the minus strand). VCF-style: chr3-121529656-T-C. GRCh37 (hg19) VCF-style: chr3-121248503-T-C.
Other names: short protein forms H366R.
Identifiers: ClinVar variation 1790876 (VCV001790876.2), dbSNP rs750242539, ClinGen allele CA354124213.

ClinVar aggregate classification (germline): Uncertain significance (1 of 4 stars; one submission).

gnomAD v4.1: 31 of 1,613,436 alleles (0.0019%); highest among the groups gnomAD compares: Non-Finnish European, 0.0025%; no homozygotes.

Submission:

Ambry Genetics
Classification: Uncertain significance. Last evaluated: 2024-03-24. Review status: criteria provided, single submitter. Criteria: Ambry Variant Classification Scheme 2023. Collection method: clinical testing. Allele origin: germline.
Comment: The p.H366R variant (also known as c.1097A>G), located in coding exon 7 of the POLQ gene, results from an A to G substitution at nucleotide position 1097. The histidine at codon 366 is replaced by arginine, an amino acid with highly similar properties. This amino acid position is conserved. In addition, this alteration is predicted to be tolerated by in silico analysis. Since supporting evidence is limited at this time, the clinical significance of this alteration remains unclear.